The following is an entry in ClinVar:

NM_017934.7(PHIP):c.-5T>C

Genes: PHIP (PHIP subunit of CUL4-Ring ligase complex; minus strand), LOC129996745 (ATAC-STARR-seq lymphoblastoid silent region 17346; plus strand). Cytogenetic location: 6q14.1.
Variant type: single nucleotide variant.
Coding change: c.-5T>C on transcript NM_017934.7 (MANE Select); 5 bases upstream of the start codon, T replaced by C.
Molecular consequence: 5 prime UTR variant.
Genome position (GRCh38, 1-based): chr6:79,078,073, A>G on the plus strand (T>C on the coding strand, the complement: PHIP is on the minus strand). VCF-style: chr6-79078073-A-G. GRCh37 (hg19) VCF-style: chr6-79787790-A-G.
Identifiers: ClinVar variation 4986975 (VCV004986975.1).

ClinVar aggregate classification (germline): Likely benign (1 of 4 stars; one submission).

Conditions:
PHIP-related disorder. Also called: PHIP-related disorders; PHIP-related condition.

gnomAD v4.1: 1 of 1,608,340 alleles (0.000062%); highest among the groups gnomAD compares: African/African-American, 0.0013%; no homozygotes.

Submission:

PreventionGenetics, part of Exact Sciences
Classification: Likely benign for PHIP-related condition. Last evaluated: 2026-02-10. Review status: criteria provided, single submitter. Criteria: ACMG Guidelines, 2015. Collection method: clinical testing. Allele origin: germline.
Comment: This variant is classified as likely benign based on ACMG/AMP sequence variant interpretation guidelines (Richards et al. 2015 PMID: 25741868, with internal and published modifications).